The following is an entry in ClinVar:

ClinVar aggregate classification (germline): Uncertain significance. Review status: criteria provided, multiple submitters, no conflicts (2 of 4 stars). 2 submissions from 2 submitters: Uncertain significance (2). Last evaluated 2025-07-01.

Allele frequency attached by ClinVar (database versions not stated): gnomAD 0.00001; gnomAD exomes 0.00001; TOPMed 0.00001.

Submissions (2):

CeGaT Center for Human Genetics Tuebingen
Classification: Uncertain significance. Last evaluated: 2025-07-01. Review status: criteria provided, single submitter. Criteria: CeGaT Center For Human Genetics Tuebingen Variant Classification Criteria Version 2. Collection method: clinical testing. Allele origin: germline. Affected: yes. Observed: 1 variant allele.
Comment: IFNAR1: PM2, BP4

Labcorp Genetics (formerly Invitae), Labcorp
Classification: Uncertain significance. Last evaluated: 2023-10-10. Review status: criteria provided, single submitter. Criteria: Invitae Variant Classification Sherloc (09022015). Collection method: clinical testing. Allele origin: germline.
Comment: This sequence change replaces tyrosine, which is neutral and polar, with cysteine, which is neutral and slightly polar, at codon 303 of the IFNAR1 protein (p.Tyr303Cys). This variant is not present in population databases (gnomAD no frequency). This variant has not been reported in the literature in individuals affected with IFNAR1-related conditions. An algorithm developed to predict the effect of missense changes on protein structure and function (PolyPhen-2) suggests that this variant is likely to be disruptive. In summary, the available evidence is currently insufficient to determine the role of this variant in disease. Therefore, it has been classified as a Variant of Uncertain Significance.

NM_000629.3(IFNAR1):c.908A>G (p.Tyr303Cys)

Gene: IFNAR1 (interferon alpha and beta receptor subunit 1; plus strand). Cytogenetic location: 21q22.11.
Variant type: single nucleotide variant.
Coding change: c.908A>G on transcript NM_000629.3 (MANE Select); coding-DNA position 908, A replaced by G.
Protein change: p.Tyr303Cys; replaces tyrosine 303 with cysteine.
Molecular consequence: missense variant.
Genome position (GRCh38, 1-based): chr21:33,349,210, A>G. VCF-style: chr21-33349210-A-G. GRCh37 (hg19) VCF-style: chr21-34721516-A-G.
Other names: c.908A>G, p.Tyr303Cys (NM_001384498.1, NM_001384499.1, NM_001384503.1); c.146A>G, p.Tyr49Cys (NM_001384500.1); c.893A>G, p.Tyr298Cys (NM_001384501.1); c.446A>G, p.Tyr149Cys (NM_001384502.1); c.701A>G, p.Tyr234Cys (NM_001384504.1); short protein forms Y234C, Y303C, Y49C, Y149C, Y298C.
Identifiers: ClinVar variation 3009796 (VCV003009796.11), dbSNP rs1419064176, ClinGen allele CA410108464.